The following is an entry in ClinVar:

NM_000535.7(PMS2):c.477G>A (p.Val159=)

Gene: PMS2 (PMS1 homolog 2, mismatch repair system component; minus strand). Cytogenetic location: 7p22.1.
Variant type: single nucleotide variant.
Coding change: c.477G>A on transcript NM_000535.7 (MANE Select); coding-DNA position 477, G replaced by A.
Protein change: p.Val159=; no amino-acid change (valine 159 retained).
Molecular consequence: synonymous variant. On other transcripts: 5 prime UTR variant (2), non-coding transcript variant (1).
Genome position (GRCh38, 1-based): chr7:6,002,513, C>T on the plus strand (G>A on the coding strand, the complement: PMS2 is on the minus strand). VCF-style: chr7-6002513-C-T. GRCh37 (hg19) VCF-style: chr7-6042144-C-T.
Other names: c.72G>A, p.Val24= (NM_001322003.2, NM_001322004.2, NM_001322005.2 and 3 more transcripts); c.477G>A, p.Val159= (NM_001322006.2, NM_001322014.2); c.159G>A, p.Val53= (NM_001322007.2, NM_001322008.2); c.-408G>A (NM_001322011.2, NM_001322012.2); c.168G>A, p.Val56= (NM_001322015.2).
Identifiers: ClinVar variation 184621 (VCV000184621.33), dbSNP rs147701251, ClinGen allele CA012145.
Genomic context (GRCh38, chr7:6,002,513, plus strand): 5'-CTTCTTAATATTCCTTTGAAATTCCTTATGGCGCACAGGTAGTGTGGAAAATAACTGCTG[C>T]ACGCTGACTGTGGTCCCTCTGGGGCGGGGGTAGGGGGTTTTCTGGATAATTTTCCCATTG-3'
Protein context (NP_000526.2, residues 149-169): YPRPRGTTVS[Val159=]QQLFSTLPVR

ClinVar aggregate classification (germline): Benign/Likely benign. Review status: criteria provided, multiple submitters, no conflicts (2 of 4 stars). 16 submissions from 16 submitters: Benign (5); Likely benign (8). 3 of the submissions do not count toward it. Last evaluated 2026-01-28.

Conditions:
Hereditary nonpolyposis colorectal neoplasms. Identifiers: MedGen C0009405, MeSH D003123.
Breast and/or ovarian cancer. Identifiers: MedGen CN221562.
Hereditary cancer-predisposing syndrome. Also called: Tumor predisposition; Neoplastic Syndromes, Hereditary; Hereditary neoplastic syndrome; Hereditary Cancer Syndrome. Identifiers: Orphanet 140162, MedGen C0027672, MeSH D009386, MONDO:0015356.
Lynch syndrome 4 (LYNCH4). Also called: Hereditary non-polyposis colorectal cancer, type 4; Colorectal cancer, hereditary nonpolyposis, type 4. Identifiers: Orphanet 144, MedGen C1838333, MONDO:0013699, OMIM 614337. Disease mechanism: loss of function.
Malignant tumor of breast. Also called: Malignant breast neoplasm; Cancer breast. Identifiers: MedGen C0006142, MONDO:0007254. Disease mechanism: loss of function.

Allele frequency attached by ClinVar (database versions not stated): TOPMed 0.00006; gnomAD 0.00007 and 0.00006; gnomAD exomes 0.00007 and 0.00008; ESP Exome Variant Server 0.00008; ExAC 0.00013; 1000 Genomes Project 30x 0.00016; 1000 Genomes Project 0.00020.

Submissions (16):

Labcorp Genetics (formerly Invitae), Labcorp
Classification: Likely benign for Hereditary nonpolyposis colorectal neoplasms. Last evaluated: 2026-01-28. Review status: criteria provided, single submitter. Criteria: Invitae Variant Classification Sherloc (09022015). Collection method: clinical testing. Allele origin: germline.

Center for Genomic Medicine, Rigshospitalet, Copenhagen University Hospital
Classification: Likely benign. Last evaluated: 2025-03-04. Review status: criteria provided, single submitter. Criteria: ACMG Guidelines, 2015. Collection method: clinical testing. Allele origin: germline.

Blueprint Genetics
Classification: Likely benign. Last evaluated: 2024-11-26. Review status: criteria provided, single submitter. Criteria: ACMG Guidelines, 2015. Collection method: clinical testing. Allele origin: germline.

KCCC/NGS Laboratory, Kuwait Cancer Control Center
Classification: Benign for Lynch syndrome 4. Last evaluated: 2023-07-07. Review status: criteria provided, single submitter. Criteria: ACMG Guidelines, 2015. Collection method: clinical testing. Allele origin: germline. Affected: yes.

Quest Diagnostics Nichols Institute San Juan Capistrano
Classification: Benign. Last evaluated: 2023-04-21. Review status: criteria provided, single submitter. Criteria: Quest Diagnostics criteria. Collection method: clinical testing. Allele origin: unknown.

Myriad Genetics, Inc.
Classification: Benign for Lynch syndrome 4. Last evaluated: 2023-04-04. Review status: criteria provided, single submitter. Criteria: Myriad Autosomal Dominant, Autosomal Recessive and X-Linked Classification Criteria (2023). Collection method: clinical testing. Allele origin: unknown.
Comment: This variant is considered benign. This variant is a silent/synonymous amino acid change and it is not expected to impact splicing.

CHEO Genetics Diagnostic Laboratory, Children's Hospital of Eastern Ontario
Classification: Likely benign for Breast and/or ovarian cancer. Last evaluated: 2023-03-09. Review status: criteria provided, single submitter. Criteria: ACMG Guidelines, 2015. Collection method: clinical testing. Allele origin: germline.

Sema4
Classification: Likely benign for Hereditary cancer-predisposing syndrome. Last evaluated: 2021-02-17. Review status: criteria provided, single submitter. Criteria: Sema4 Curation Guidelines. Collection method: curation. Allele origin: germline.

Genetic Services Laboratory, University of Chicago
Classification: Likely benign. Last evaluated: 2020-03-04. Review status: criteria provided, single submitter. Criteria: ACMG Guidelines, 2015. Collection method: clinical testing. Allele origin: germline. Affected: no.

Women's Health and Genetics/Laboratory Corporation of America, LabCorp
Classification: Benign. Last evaluated: 2019-12-03. Review status: criteria provided, single submitter. Criteria: LabCorp Variant Classification Summary - May 2015. Collection method: clinical testing. Allele origin: germline.

Color Diagnostics, LLC DBA Color Health
Classification: Likely benign for Hereditary cancer-predisposing syndrome. Last evaluated: 2015-11-03. Review status: criteria provided, single submitter. Criteria: ACMG Guidelines, 2015. Collection method: clinical testing. Allele origin: germline.

GeneDx
Classification: Benign. Last evaluated: 2015-03-20. Review status: criteria provided, single submitter. Criteria: GeneDx Variant Classification (06012015). Collection method: clinical testing. Allele origin: germline. Affected: yes.
Comment: This variant is considered likely benign or benign based on one or more of the following criteria: it is a conservative change, it occurs at a poorly conserved position in the protein, it is predicted to be benign by multiple in silico algorithms, and/or has population frequency not consistent with disease.

Ambry Genetics
Classification: Likely benign for Hereditary cancer-predisposing syndrome. Last evaluated: 2014-08-18. Review status: criteria provided, single submitter. Criteria: Ambry Variant Classification Scheme 2023. Collection method: clinical testing. Allele origin: germline.

True Health Diagnostics
Classification: Likely benign for Hereditary cancer-predisposing syndrome. Last evaluated: 2018-01-24. Review status: no assertion criteria provided. Collection method: clinical testing. Allele origin: germline. Not counted in ClinVar's aggregate classification.

Counsyl
Classification: Likely benign for Lynch syndrome 4. Last evaluated: 2016-11-08. Review status: no assertion criteria provided. Collection method: clinical testing. Allele origin: unknown. Not counted in ClinVar's aggregate classification.

Department of Pathology and Laboratory Medicine, Sinai Health System
Classification: Likely benign for Malignant tumor of breast. Review status: no assertion criteria provided. Collection method: clinical testing. Allele origin: unknown. Affected: yes. Study: The Canadian Open Genetics Repository (COGR). Not counted in ClinVar's aggregate classification.
Comment: The PMS2 p.Val159= variant was not identified in the literature nor was it identified in the following databases: COGR, Clinvitae, Cosmic, Insight Colon Cancer Gene Variant Database, Zhejiang Colon Cancer Database, Mismatch Repair Genes Variant Database, or the Insight Hereditary Tumors Database. The variant was identified in dbSNP (ID: rs147701251) â€šÃ„ÃºWith Likely benign alleleâ€šÃ„Ã¹, ClinVar (classified as benign by GeneDx and likely benign by Ambry Genetics, Invitae, Counsyl and Color Genomics Inc), and in control databases in 21 of 276590 chromosomes at a frequency of 0.00008 increasing the likelihood this could be a low frequency variant (Genome Aggregation Consortium Feb 27, 2017). The observations by population include Latino in 3 of 34398 chromosomes (freq: 0.00009), European Non-Finnish in 14 of 126292 chromosomes (freq: 0.0001), and South Asian in 4 of 30766 chromosomes (freq:0.0001); the variant was not observed in African, Ashkenazi Jewish, East Asian, and European Finnish populations. The p.Val159= variant is not expected to have clinical significance because it does not result in a change of amino acid and is not located in a known consensus splice site. In addition, in silico or computational prediction software programs (SpliceSiteFinder, MaxEntScan, NNSPLICE, GeneSplicer, HumanSpliceFinder) do not predict a difference in splicing. In summary, based on the above information this variant meets our laboratory's criteria to be classified as benign.